The following is an entry in ClinVar:

NM_002474.3(MYH11):c.4025A>G (p.Glu1342Gly)

Genes: NDE1 (nudE neurodevelopment protein 1; plus strand), MYH11 (myosin heavy chain 11; minus strand). Cytogenetic location: 16p13.11.
Variant type: single nucleotide variant.
Coding change: c.4025A>G on transcript NM_002474.3 (MANE Select); coding-DNA position 4025, A replaced by G.
Protein change: p.Glu1342Gly; replaces glutamic acid 1342 with glycine.
Molecular consequence: missense variant. On other transcripts: 3 prime UTR variant (2).
Genome position (GRCh38, 1-based): chr16:15,724,738, T>C on the plus strand (A>G on the coding strand, the complement: MYH11 is on the minus strand). VCF-style: chr16-15724738-T-C. GRCh37 (hg19) VCF-style: chr16-15818595-T-C.
Other names: c.4046A>G, p.Glu1349Gly (NM_001040113.2, NM_001040114.2); c.4025A>G, p.Glu1342Gly (NM_022844.3); c.*487T>C (NM_001143979.2, NM_017668.3); short protein forms E1342G, E1349G.
Identifiers: ClinVar variation 4757684 (VCV004757684.1).

ClinVar aggregate classification (germline): Uncertain significance (1 of 4 stars; one submission).

Conditions:
Familial thoracic aortic aneurysm and aortic dissection (TAAD). Also called: Thoracic aortic aneurysms and dissections. Identifiers: Orphanet 91387, MedGen C4707243, MONDO:0019625.

Submission:

Color Diagnostics, LLC DBA Color Health
Classification: Uncertain significance for Familial thoracic aortic aneurysm and aortic dissection. Last evaluated: 2025-07-25. Review status: criteria provided, single submitter. Criteria: ACMG Guidelines, 2015. Collection method: clinical testing. Allele origin: germline.
Comment: This missense variant replaces glutamic acid with glycine at codon 1349 of the MYH11 protein. Computational prediction suggests that this variant may have deleterious impact on protein structure and function. To our knowledge, functional studies have not been reported for this variant. This variant has not been reported in individuals affected with MYH11-related disorders in the literature. This variant has not been identified in the general population by the Genome Aggregation Database (gnomAD). The available evidence is insufficient to determine the role of this variant in disease conclusively. Therefore, this variant is classified as a Variant of Uncertain Significance.